The following is an entry in ClinVar:

NM_001374736.1(DST):c.21676-17T>A

Gene: DST (dystonin; minus strand). Cytogenetic location: 6p12.1.
Variant type: single nucleotide variant.
Coding change: c.21676-17T>A on transcript NM_001374736.1 (MANE Select); 17 bases into the intron before coding-DNA position 21676, T replaced by A.
Molecular consequence: intron variant.
Genome position (GRCh38, 1-based): chr6:56,476,354, A>T on the plus strand (T>A on the coding strand, the complement: DST is on the minus strand). VCF-style: chr6-56476354-A-T. GRCh37 (hg19) VCF-style: chr6-56341152-A-T.
Other names: c.21676-17T>A (NM_001374722.1); c.21703-17T>A (NM_001374734.1); c.14905-17T>A (NM_001144770.2); c.13807-17T>A (NM_015548.5); c.15319-17T>A (NM_001144769.5); c.14458-17T>A (NM_001374730.1); c.14785-17T>A (NM_001386100.1, NM_183380.4); c.20716-17T>A (NM_001374729.1).
Identifiers: ClinVar variation 1980235 (VCV001980235.4), dbSNP rs768959196, ClinGen allele CA3866406.

ClinVar aggregate classification (germline): Uncertain significance (1 of 4 stars; one submission).

Conditions:
Hereditary sensory and autonomic neuropathy type 6. Also called: Neuropathy, hereditary sensory and autonomic, type VI; HSAN VI. Identifiers: Orphanet 314381, MedGen C3539003, MONDO:0013839, OMIM 614653.
Epidermolysis bullosa simplex 3, localized or generalized intermediate, with BP230 deficiency (EBS3). Also called: Epidermolysis bullosa simplex, autosomal recessive 2; Epidermolysis bullosa simplex due to BP230 deficiency. Identifiers: Orphanet 412181, MedGen C3809470, MONDO:0014180, OMIM 615425.

Allele frequency attached by ClinVar (database versions not stated): gnomAD exomes 0.00001.
gnomAD v4.1: 9 of 1,517,408 alleles (0.00059%); highest among the groups gnomAD compares: Admixed American, 0.0024%; no homozygotes.

Submission:

Labcorp Genetics (formerly Invitae), Labcorp
Classification: Uncertain significance for Epidermolysis bullosa simplex 3, localized or generalized intermediate, with BP230 deficiency; Hereditary sensory and autonomic neuropathy type 6. Last evaluated: 2022-07-07. Review status: criteria provided, single submitter. Criteria: Invitae Variant Classification Sherloc (09022015). Collection method: clinical testing. Allele origin: germline.
Comment: The DST gene has multiple clinically relevant transcripts. This variant occurs in alternate transcript NM_015548.4, and corresponds to NM_001723.5:c.*139163T>A in the primary transcript. In summary, the available evidence is currently insufficient to determine the role of this variant in disease. Therefore, it has been classified as a Variant of Uncertain Significance. Experimental studies and prediction algorithms are not available or were not evaluated, and the effect of this variant on mRNA splicing is currently unknown. This variant has not been reported in the literature in individuals affected with DST-related conditions. This variant is present in population databases (rs768959196, gnomAD 0.003%). This sequence change falls in intron 72 of the DST gene. It does not directly change the encoded amino acid sequence of the DST protein.